The following is an entry in ClinVar:

ClinVar aggregate classification (germline): Uncertain significance (1 of 4 stars; one submission).

Conditions:
Susceptibility to respiratory infections associated with CD8alpha chain mutation (IMD116). Also called: IMMUNODEFICIENCY 116; Cd8 deficiency, familial. Identifiers: Orphanet 169085, MedGen C1837065, MONDO:0012161, OMIM 608957.

Allele frequency attached by ClinVar (database versions not stated): gnomAD 0.00001; TOPMed 0.00001; gnomAD exomes 0.00002; ExAC 0.00003; ESP Exome Variant Server 0.00008.
gnomAD v4.1: 4 of 1,613,984 alleles (0.00025%); highest among the groups gnomAD compares: South Asian, 0.0022%; no homozygotes.

Submission:

Labcorp Genetics (formerly Invitae), Labcorp
Classification: Uncertain significance for Susceptibility to respiratory infections associated with CD8alpha chain mutation. Last evaluated: 2021-09-20. Review status: criteria provided, single submitter. Criteria: Invitae Variant Classification Sherloc (09022015). Collection method: clinical testing. Allele origin: germline.
Comment: This variant is present in population databases (rs146175810, ExAC 0.01%). This variant has not been reported in the literature in individuals affected with CD8A-related conditions. Algorithms developed to predict the effect of missense changes on protein structure and function output the following: SIFT: "Deleterious"; PolyPhen-2: "Benign"; Align-GVGD: "Class C0". The arginine amino acid residue is found in multiple mammalian species, which suggests that this missense change does not adversely affect protein function. This sequence change replaces serine with arginine at codon 119 of the CD8A protein (p.Ser119Arg). The serine residue is highly conserved and there is a moderate physicochemical difference between serine and arginine. In summary, the available evidence is currently insufficient to determine the role of this variant in disease. Therefore, it has been classified as a Variant of Uncertain Significance.

NM_001768.7(CD8A):c.357C>A (p.Ser119Arg)

Gene: CD8A (CD8 subunit alpha; minus strand). Cytogenetic location: 2p11.2.
Variant type: single nucleotide variant.
Coding change: c.357C>A on transcript NM_001768.7 (MANE Select); coding-DNA position 357, C replaced by A.
Protein change: p.Ser119Arg; replaces serine 119 with arginine.
Molecular consequence: missense variant. On other transcripts: non-coding transcript variant (3).
Genome position (GRCh38, 1-based): chr2:86,790,374, G>T on the plus strand (C>A on the coding strand, the complement: CD8A is on the minus strand). VCF-style: chr2-86790374-G-T. GRCh37 (hg19) VCF-style: chr2-87017497-G-T.
Other names: c.357C>A, p.Ser119Arg (NM_001145873.1, NM_001382698.1, NM_171827.4); short protein forms S119R.
Identifiers: ClinVar variation 1480248 (VCV001480248.6), dbSNP rs146175810, ClinGen allele CA1751221.